The following is an entry in ClinVar:

NM_152383.5(DIS3L2):c.1180C>T (p.Leu394Phe)

Gene: DIS3L2 (DIS3 like 3'-5' exoribonuclease 2; plus strand). Cytogenetic location: 2q37.1.
Variant type: single nucleotide variant.
Coding change: c.1180C>T on transcript NM_152383.5 (MANE Select); coding-DNA position 1180, C replaced by T.
Protein change: p.Leu394Phe; replaces leucine 394 with phenylalanine.
Molecular consequence: missense variant. On other transcripts: non-coding transcript variant (2).
Genome position (GRCh38, 1-based): chr2:232,210,381, C>T. VCF-style: chr2-232210381-C-T. GRCh37 (hg19) VCF-style: chr2-233075091-C-T.
Other names: c.1180C>T, p.Leu394Phe (NM_001257281.2); short protein forms L394F.
Identifiers: ClinVar variation 2886253 (VCV002886253.3), dbSNP rs1692154373, ClinGen allele CA351154089.

ClinVar aggregate classification (germline): Uncertain significance (1 of 4 stars; one submission).

Conditions:
Perlman syndrome (PRLMNS). Identifiers: Orphanet 2849, MedGen C0796113, MONDO:0009965, OMIM 267000.

Allele frequency attached by ClinVar (database versions not stated): TOPMed 0.00001.

Submission:

Labcorp Genetics (formerly Invitae), Labcorp
Classification: Uncertain significance for Perlman syndrome. Last evaluated: 2023-05-22. Review status: criteria provided, single submitter. Criteria: Invitae Variant Classification Sherloc (09022015). Collection method: clinical testing. Allele origin: germline.
Comment: In summary, the available evidence is currently insufficient to determine the role of this variant in disease. Therefore, it has been classified as a Variant of Uncertain Significance. Advanced modeling of protein sequence and biophysical properties (such as structural, functional, and spatial information, amino acid conservation, physicochemical variation, residue mobility, and thermodynamic stability) performed at Invitae indicates that this missense variant is not expected to disrupt DIS3L2 protein function. This variant has not been reported in the literature in individuals affected with DIS3L2-related conditions. This variant is not present in population databases (gnomAD no frequency). This sequence change replaces leucine, which is neutral and non-polar, with phenylalanine, which is neutral and non-polar, at codon 394 of the DIS3L2 protein (p.Leu394Phe).